The following is an entry in ClinVar:

ClinVar aggregate classification (germline): Uncertain significance (1 of 4 stars; one submission).

Submission:

Labcorp Genetics (formerly Invitae), Labcorp
Classification: Uncertain significance. Last evaluated: 2025-10-11. Review status: criteria provided, single submitter. Criteria: Invitae Variant Classification Sherloc (09022015). Collection method: clinical testing. Allele origin: germline.
Comment: The TCF3 gene has multiple clinically relevant transcripts. This variant occurs in alternate transcript NM_001136139.3, and corresponds to NM_003200.4:c.1823-529C>G in the primary transcript. This sequence change replaces arginine, which is basic and polar, with glycine, which is neutral and non-polar, at codon 548 of the TCF3 protein (p.Arg548Gly). This variant is not present in population databases (gnomAD no frequency). This variant has not been reported in the literature in individuals affected with TCF3-related conditions. Experimental studies and prediction algorithms are not available or were not evaluated, and the functional significance of this variant is currently unknown. In summary, the available evidence is currently insufficient to determine the role of this variant in disease. Therefore, it has been classified as a Variant of Uncertain Significance.

NM_001136139.4(TCF3):c.1642C>G (p.Arg548Gly)

Gene: TCF3 (transcription factor 3; minus strand). Cytogenetic location: 19p13.3.
Variant type: single nucleotide variant.
Coding change: c.1642C>G on transcript NM_001136139.4 (MANE Plus Clinical); coding-DNA position 1642, C replaced by G.
Protein change: p.Arg548Gly; replaces arginine 548 with glycine.
Molecular consequence: missense variant. On other transcripts: intron variant (2).
Genome position (GRCh38, 1-based): chr19:1,612,378, G>C on the plus strand (C>G on the coding strand, the complement: TCF3 is on the minus strand). VCF-style: chr19-1612378-G-C. GRCh37 (hg19) VCF-style: chr19-1612377-G-C.
Other names: c.1642C>G, p.Arg548Gly (NM_001351779.2); c.1820-529C>G (NM_001351778.2); c.1823-529C>G (NM_003200.5); short protein forms R548G.
Identifiers: ClinVar variation 4728504 (VCV004728504.1).